The following is an entry in ClinVar:

ClinVar aggregate classification (germline): Uncertain significance. Review status: criteria provided, multiple submitters, no conflicts (2 of 4 stars). 2 submissions from 2 submitters: Uncertain significance (2). Last evaluated 2024-04-17.

Conditions:
Inborn genetic diseases. Identifiers: MedGen C0950123, MeSH D030342.

Allele frequency attached by ClinVar (database versions not stated): gnomAD 0.00003; ExAC 0.00004; ESP Exome Variant Server 0.00008; 1000 Genomes Project 30x 0.00016; 1000 Genomes Project 0.00020.
gnomAD v4.1: 67 of 1,613,886 alleles (0.0042%); highest among the groups gnomAD compares: East Asian, 0.02%; no homozygotes.

Submissions (2):

Ambry Genetics
Classification: Uncertain significance for Inborn genetic diseases. Last evaluated: 2024-04-17. Review status: criteria provided, single submitter. Criteria: Ambry Variant Classification Scheme 2023. Collection method: clinical testing. Allele origin: germline.

Labcorp Genetics (formerly Invitae), Labcorp
Classification: Uncertain significance. Last evaluated: 2022-08-09. Review status: criteria provided, single submitter. Criteria: Invitae Variant Classification Sherloc (09022015). Collection method: clinical testing. Allele origin: germline.
Comment: This sequence change replaces arginine, which is basic and polar, with histidine, which is basic and polar, at codon 3850 of the DNAH9 protein (p.Arg3850His). This variant is present in population databases (rs183724436, gnomAD 0.02%). This variant has not been reported in the literature in individuals affected with DNAH9-related conditions. Algorithms developed to predict the effect of missense changes on protein structure and function output the following: SIFT: "Deleterious"; PolyPhen-2: "Benign"; Align-GVGD: "Class C0". The histidine amino acid residue is found in multiple mammalian species, which suggests that this missense change does not adversely affect protein function. In summary, the available evidence is currently insufficient to determine the role of this variant in disease. Therefore, it has been classified as a Variant of Uncertain Significance.

NM_001372.4(DNAH9):c.11549G>A (p.Arg3850His)

Gene: DNAH9 (dynein axonemal heavy chain 9; plus strand). Cytogenetic location: 17p12.
Variant type: single nucleotide variant.
Coding change: c.11549G>A on transcript NM_001372.4 (MANE Select); coding-DNA position 11549, G replaced by A.
Protein change: p.Arg3850His; replaces arginine 3850 with histidine.
Molecular consequence: missense variant.
Genome position (GRCh38, 1-based): chr17:11,902,861, G>A. VCF-style: chr17-11902861-G-A. GRCh37 (hg19) VCF-style: chr17-11806178-G-A.
Other names: c.485G>A, p.Arg162His (NM_004662.2); c.11549G>A (NM_001372.3); short protein forms R3850H, R162H.
Identifiers: ClinVar variation 1951812 (VCV001951812.6), dbSNP rs183724436, ClinGen allele CA8397865.